The following is an entry in ClinVar:

NM_000660.7(TGFB1):c.872A>C (p.Lys291Thr)

Gene: TGFB1 (transforming growth factor beta 1; minus strand). Cytogenetic location: 19q13.2.
Variant type: single nucleotide variant.
Coding change: c.872A>C on transcript NM_000660.7 (MANE Select); coding-DNA position 872, A replaced by C.
Protein change: p.Lys291Thr; replaces lysine 291 with threonine.
Molecular consequence: missense variant.
Genome position (GRCh38, 1-based): chr19:41,332,270, T>G on the plus strand (A>C on the coding strand, the complement: TGFB1 is on the minus strand). VCF-style: chr19-41332270-T-G. GRCh37 (hg19) VCF-style: chr19-41838175-T-G.
Other names: short protein forms K291T.
Identifiers: ClinVar variation 4802965 (VCV004802965.1).

ClinVar aggregate classification (germline): Uncertain significance (1 of 4 stars; one submission).

gnomAD v4.1: 20 of 1,613,928 alleles (0.0012%); highest among the groups gnomAD compares: South Asian, 0.021%; no homozygotes.

Submission:

Labcorp Genetics (formerly Invitae), Labcorp
Classification: Uncertain significance. Last evaluated: 2025-04-17. Review status: criteria provided, single submitter. Criteria: Invitae Variant Classification Sherloc (09022015). Collection method: clinical testing. Allele origin: germline.
Comment: This sequence change replaces lysine, which is basic and polar, with threonine, which is neutral and polar, at codon 291 of the TGFB1 protein (p.Lys291Thr). This variant is present in population databases (rs747968669, gnomAD 0.02%). This variant has not been reported in the literature in individuals affected with TGFB1-related conditions. Invitae Evidence Modeling of protein sequence and biophysical properties (such as structural, functional, and spatial information, amino acid conservation, physicochemical variation, residue mobility, and thermodynamic stability) indicates that this missense variant is not expected to disrupt TGFB1 protein function with a negative predictive value of 80%. In summary, the available evidence is currently insufficient to determine the role of this variant in disease. Therefore, it has been classified as a Variant of Uncertain Significance.